The following is an entry in ClinVar:

NM_020778.5(ALPK3):c.505G>A (p.Val169Met)

Gene: ALPK3 (alpha kinase 3; plus strand). Cytogenetic location: 15q25.3.
Variant type: single nucleotide variant.
Coding change: c.505G>A on transcript NM_020778.5 (MANE Select); coding-DNA position 505, G replaced by A.
Protein change: p.Val169Met; replaces valine 169 with methionine.
Molecular consequence: missense variant.
Genome position (GRCh38, 1-based): chr15:84,839,784, G>A. VCF-style: chr15-84839784-G-A. GRCh37 (hg19) VCF-style: chr15-85383015-G-A.
Other names: short protein forms V169M.
Identifiers: ClinVar variation 3666496 (VCV003666496.4).
Genomic context (GRCh38, chr15:84,839,784, plus strand): 5'-ATCTACCAGGCCTCTGCCCAGAACAGCAAGGGCATTGTGTCCTGCTCAGGGGTCCTGGAG[G>A]TGGGCACCATGACTGAGTACAAGATCCACCAGCGCTGGTTCGCCAAGTTGAAGCGCAAGG-3'
Protein context (NP_065829.4, residues 159-179): GIVSCSGVLE[Val169Met]GTMTEYKIHQ

ClinVar aggregate classification (germline): Uncertain significance. Review status: criteria provided, multiple submitters, no conflicts (2 of 4 stars). 2 submissions from 2 submitters: Uncertain significance (2). Last evaluated 2024-09-08.

Conditions:
Cardiomyopathy, familial hypertrophic 27. Identifiers: MedGen C4748014, MONDO:0054838, OMIM 618052.

gnomAD v4.1: 1 of 1,614,160 alleles (0.000062%); highest among the groups gnomAD compares: Non-Finnish European, 0.000085%; no homozygotes.

Submissions (2):

Labcorp Genetics (formerly Invitae), Labcorp
Classification: Uncertain significance. Last evaluated: 2024-09-08. Review status: criteria provided, single submitter. Criteria: Invitae Variant Classification Sherloc (09022015). Collection method: clinical testing. Allele origin: germline.
Comment: This sequence change replaces valine, which is neutral and non-polar, with methionine, which is neutral and non-polar, at codon 371 of the ALPK3 protein (p.Val371Met). This variant is not present in population databases (gnomAD no frequency). This variant has not been reported in the literature in individuals affected with ALPK3-related conditions. An algorithm developed to predict the effect of missense changes on protein structure and function (PolyPhen-2) suggests that this variant is likely to be disruptive. In summary, the available evidence is currently insufficient to determine the role of this variant in disease. Therefore, it has been classified as a Variant of Uncertain Significance.

Juno Genomics, Hangzhou Juno Genomics, Inc
Classification: Uncertain significance for Cardiomyopathy, familial hypertrophic 27. Review status: criteria provided, single submitter. Criteria: ACMG Guidelines, 2015. Collection method: clinical testing. Allele origin: germline.
Comment: Absent from controls (or at extremely low frequency if recessive) in Genome Aggregation Database.;Multiple lines of computational evidence support a deleterious effect on the gene or gene product.